The following is an entry in ClinVar:

NM_001386135.1(AFF3):c.2805CAA[1] (p.Asn937del)

Gene: AFF3 (ALF transcription elongation factor 3; minus strand). Cytogenetic location: 2q11.2.
Variant type: Microsatellite.
Coding change: c.2805CAA[1] on transcript NM_001386135.1 (MANE Select); one copy of the 3-base unit CAA starting at c.2805; the reference has two copies in a row; one copy, 3 bases deleted.
Protein change: p.Asn937del; deletes asparagine 937.
Molecular consequence: inframe deletion.
Genome position (GRCh38, 1-based): chr2:99,578,435-99,578,437, TTG deleted on the plus strand (CAA on the coding strand, the reverse complement: AFF3 is on the minus strand); deleting any 3 consecutive bases within chr2:99,578,435-99,578,441 gives the same sequence; the position shown is the placement nearest the transcript's 3' end. VCF-style (leftmost placement, unchanged base first): chr2-99578434-ATTG-A. GRCh37 (hg19) VCF-style: chr2-100194896-ATTG-A.
Other names: c.2880CAA[1], p.Asn962del (NM_001025108.2); c.2805CAA[1], p.Asn937del (NM_002285.3); short protein forms N937del, N962del.
Identifiers: ClinVar variation 2631655 (VCV002631655.1), dbSNP rs751918839, ClinGen allele CA1800768.
Genomic context (GRCh38, chr2:99,578,434, plus strand): 5'-GGAGCCTGGAGACCACGGCTTCGTCTGCGGCCGTGACTTGTGGAGGGGAATGTTTTCAGA[ATTG>A]TTGTGAGCTGCTTTCTAAACAACAAACAACACACATCTTTGAGAAATTGGCCACCTGGTG-3'

ClinVar aggregate classification (germline): Uncertain significance (1 of 4 stars; one submission).

Conditions:
AFF3-related disorder. Also called: AFF3-related condition.

Submission:

PreventionGenetics, part of Exact Sciences
Classification: Uncertain significance for AFF3-related condition. Last evaluated: 2023-08-26. Review status: criteria provided, single submitter. Criteria: ACMG Guidelines, 2015. Collection method: clinical testing. Allele origin: germline.
Comment: The AFF3 c.2808_2810delCAA variant is predicted to result in an in-frame deletion (p.Asn937del). To our knowledge, this variant has not been reported in the literature or in a large population database, indicating this variant is rare. At this time, the clinical significance of this variant is uncertain due to the absence of conclusive functional and genetic evidence.